The following is an entry in ClinVar:

ClinVar aggregate classification (germline): Uncertain significance. Review status: criteria provided, multiple submitters, no conflicts (2 of 4 stars). 3 submissions from 3 submitters: Uncertain significance (2). 1 of the submissions does not count toward it. Last evaluated 2025-08-11.

Conditions:
LRP5-related disorder. Also called: LRP5-related condition.

Allele frequency attached by ClinVar (database versions not stated): gnomAD exomes 0.00003 and 0.00006; ExAC 0.00010; ESP Exome Variant Server 0.00015; 1000 Genomes Project 30x 0.00016; gnomAD 0.00019 and 0.00021; 1000 Genomes Project 0.00020; TOPMed 0.00034.
gnomAD v4.1: 76 of 1,613,500 alleles (0.0047%); highest among the groups gnomAD compares: African/African-American, 0.092%; no homozygotes.

Submissions (3):

Labcorp Genetics (formerly Invitae), Labcorp
Classification: Uncertain significance. Last evaluated: 2025-08-11. Review status: criteria provided, single submitter. Criteria: Invitae Variant Classification Sherloc (09022015). Collection method: clinical testing. Allele origin: germline.
Comment: This sequence change falls in intron 9 of the LRP5 gene. It does not directly change the encoded amino acid sequence of the LRP5 protein. It affects a nucleotide within the consensus splice site. This variant is present in population databases (rs202064462, gnomAD 0.1%). This variant has not been reported in the literature in individuals affected with LRP5-related conditions. ClinVar contains an entry for this variant (Variation ID: 854469). Variants that disrupt the consensus splice site are a relatively common cause of aberrant splicing (PMID: 17576681, 9536098). Algorithms developed to predict the effect of sequence changes on RNA splicing suggest that this variant is not likely to affect RNA splicing. In summary, the available evidence is currently insufficient to determine the role of this variant in disease. Therefore, it has been classified as a Variant of Uncertain Significance.

Blueprint Genetics
Classification: Uncertain significance. Last evaluated: 2023-07-20. Review status: criteria provided, single submitter. Criteria: ACMG Guidelines, 2015. Collection method: clinical testing. Allele origin: germline.

PreventionGenetics, part of Exact Sciences
Classification: Likely benign for LRP5-related condition. Last evaluated: 2022-06-28. Review status: no assertion criteria provided. Collection method: clinical testing. Allele origin: germline. Not counted in ClinVar's aggregate classification.
Comment: This variant is classified as likely benign based on ACMG/AMP sequence variant interpretation guidelines (Richards et al. 2015 PMID: 25741868, with internal and published modifications).

Literature cited by the submitters: PubMed 17576681 (cited by Labcorp Genetics (formerly Invitae), Labcorp); PubMed 9536098 (cited by Labcorp Genetics (formerly Invitae), Labcorp).

NM_002335.4(LRP5):c.2091+5C>T

Gene: LRP5 (LDL receptor related protein 5; plus strand). Cytogenetic location: 11q13.2.
Variant type: single nucleotide variant.
Coding change: c.2091+5C>T on transcript NM_002335.4 (MANE Select); 5 bases into the intron after coding-DNA position 2091, C replaced by T.
Molecular consequence: intron variant.
Genome position (GRCh38, 1-based): chr11:68,406,818, C>T. VCF-style: chr11-68406818-C-T. GRCh37 (hg19) VCF-style: chr11-68174286-C-T.
Other names: c.348+5C>T (NM_001291902.2).
Identifiers: ClinVar variation 854469 (VCV000854469.11), dbSNP rs202064462, ClinGen allele CA6149521.